The following is an entry in ClinVar:

ClinVar aggregate classification (germline): Uncertain significance (1 of 4 stars; one submission).

Conditions:
Inborn genetic diseases. Identifiers: MedGen C0950123, MeSH D030342.

Submission:

Ambry Genetics
Classification: Uncertain significance for Inborn genetic diseases. Last evaluated: 2018-08-30. Review status: criteria provided, single submitter. Criteria: Ambry Variant Classification Scheme 2023. Collection method: clinical testing. Allele origin: germline.
Comment: The p.T542I variant (also known as c.1625C>T), located in coding exon 15 of the DDX3X gene, results from a C to T substitution at nucleotide position 1625. The threonine at codon 542 is replaced by isoleucine, an amino acid with similar properties. This amino acid position is highly conserved in available vertebrate species. In addition, the in silico prediction for this alteration is inconclusive. Since supporting evidence is limited at this time, the clinical significance of this alteration remains unclear.

NM_001356.5(DDX3X):c.1625C>T (p.Thr542Ile)

Gene: DDX3X (DEAD-box helicase 3 X-linked; plus strand). Cytogenetic location: Xp11.4.
Variant type: single nucleotide variant.
Coding change: c.1625C>T on transcript NM_001356.5 (MANE Select); coding-DNA position 1625, C replaced by T.
Protein change: p.Thr542Ile; replaces threonine 542 with isoleucine.
Molecular consequence: missense variant. On other transcripts: non-coding transcript variant (1).
Genome position (GRCh38, 1-based): chrX:41,346,868, C>T. VCF-style: chrX-41346868-C-T. GRCh37 (hg19) VCF-style: chrX-41206121-C-T.
Other names: c.1625C>T, p.Thr542Ile (NM_001193416.3); c.1577C>T, p.Thr526Ile (NM_001193417.3); c.1067C>T, p.Thr356Ile (NM_001363819.1); short protein forms T526I, T356I, T542I.
Identifiers: ClinVar variation 1776682 (VCV001776682.2), dbSNP rs2519525442, ClinGen allele CA412777231.
Genomic context (GRCh38, chrX:41,346,868, plus strand): 5'-GTTACTTTATGGAAGACCTTTGTTTATATACTTTTTTGGGAACTCTTTTAGGCCTGGCAA[C>T]CTCATTCTTTAACGAGAGGAACATAAATATTACTAAGGATTTGTTGGATCTTCTTGTTGA-3'
Protein context (NP_001347.3, residues 532-552): TGRVGNLGLA[Thr542Ile]SFFNERNINI